The following is an entry in ClinVar:

NM_005654.6(NR2F1):c.1265del (p.Cys422fs)

Gene: NR2F1 (nuclear receptor subfamily 2 group F member 1; plus strand). Cytogenetic location: 5q15.
Variant type: Deletion.
Coding change: c.1265del on transcript NM_005654.6 (MANE Select); coding-DNA position 1265, one base deleted (G; older notation c.1265delG).
Protein change: p.Cys422fs; shifts the reading frame from cysteine 422.
Molecular consequence: frameshift variant.
Genome position (GRCh38, 1-based): chr5:93,593,835, G deleted. VCF-style (leftmost placement, unchanged base first): chr5-93593834-TG-T. GRCh37 (hg19) VCF-style: chr5-92929540-TG-T.
Other names: c.815del, p.Cys272fs (NM_001410754.1); short protein forms C272fs, C422fs.
Identifiers: ClinVar variation 4879736 (VCV004879736.1).

ClinVar aggregate classification (germline): Uncertain significance (1 of 4 stars; one submission).

Conditions:
Bosch-Boonstra-Schaaf optic atrophy syndrome (BBSOAS). Also called: NR2F1-Related Neurodevelopmental Disorder. Identifiers: Orphanet 401777, MedGen C3810363, MONDO:0014320, OMIM 615722.

Submission:

Victorian Clinical Genetics Services, Murdoch Childrens Research Institute
Classification: Uncertain significance for Bosch-Boonstra-Schaaf optic atrophy syndrome. Last evaluated: 2026-02-12. Review status: criteria provided, single submitter. Criteria: ACMG Guidelines, 2015. Collection method: clinical testing. Allele origin: germline. Affected: yes.
Comment: This variant is classified as VUS-3A. Evidence in support of pathogenic classification: Variant is predicted to result in an elongated protein; Variant is absent from gnomAD (v2, v3 and v4); Additional information: This variant is heterozygous; This gene is associated with autosomal dominant disease; This variant has no previous evidence of pathogenicity; No published evidence of segregation with disease has been identified for this variant; No published functional evidence has been identified for this variant; No comparable elongation variants have previous evidence for pathogenicity; Loss of function is a known mechanism of disease in this gene and is associated with Bosch-Boonstra-Schaaf optic atrophy syndrome (MIM#615722; PMID: 24462372, 26986877). However, a dominant-negative mechanism has been proposed for variants in the DNA binding domain (DBD) of the protein (PMID: 26986877, 32275123).

Literature cited by the submitters: PubMed 32275123; PubMed 24462372; PubMed 26986877.